The following is an entry in ClinVar:

NM_017780.4(CHD7):c.7234G>T (p.Glu2412Ter)

Gene: CHD7 (chromodomain helicase DNA binding protein 7; plus strand). Cytogenetic location: 8q12.2.
Variant type: single nucleotide variant.
Coding change: c.7234G>T on transcript NM_017780.4 (MANE Select); coding-DNA position 7234, G replaced by T.
Protein change: p.Glu2412Ter; replaces glutamic acid 2412 with a stop codon.
Molecular consequence: nonsense. On other transcripts: intron variant (1).
Genome position (GRCh38, 1-based): chr8:60,856,514, G>T. VCF-style: chr8-60856514-G-T. GRCh37 (hg19) VCF-style: chr8-61769073-G-T.
Other names: c.1717-5715G>T (NM_001316690.1); short protein forms E2412*.
Identifiers: ClinVar variation 3778772 (VCV003778772.2).

ClinVar aggregate classification (germline): Pathogenic. Review status: criteria provided, multiple submitters, no conflicts (2 of 4 stars). 2 submissions from 2 submitters: Pathogenic (2). Last evaluated 2024-04-01.

Conditions:
CHD7-related disorder. Also called: CHD7-related condition.
CHARGE syndrome (CHARGE). Also called: Hittner Hirsch Kreh syndrome; CHARGE ASSOCIATION--COLOBOMA, HEART ANOMALY, CHOANAL ATRESIA, RETARDATION, GENITAL AND EAR ANOMALIES; Coloboma, heart anomaly, choanal atresia, retardation, genital and ear anomalies; CHARGE association; Hall-Hittner syndrome. Identifiers: Orphanet 138, MedGen C0265354, MONDO:0008965.

Submissions (2):

Daryl Scott Lab, Baylor College of Medicine
Classification: Pathogenic for CHD7-related CHARGE syndrome. Last evaluated: 2024-04-01. Review status: criteria provided, single submitter. Criteria: ACMG Guidelines, 2015. Collection method: clinical testing. Allele origin: de novo. Affected: yes. Observed: 1 heterozygote.
Comment: PVS1, PS2, PM2

Blueprint Genetics
Classification: Pathogenic for CHD7-related disorders. Last evaluated: 2019-04-29. Review status: criteria provided, single submitter. Criteria: ACMG Guidelines, 2015. Collection method: clinical testing. Allele origin: germline. Affected: yes. Observed: 1 variant allele.